The following is an entry in ClinVar:

NM_001368882.1(COL13A1):c.1178G>C (p.Gly393Ala)

Gene: COL13A1 (collagen type XIII alpha 1 chain; plus strand). Cytogenetic location: 10q22.1.
Variant type: single nucleotide variant.
Coding change: c.1178G>C on transcript NM_001368882.1 (MANE Select); coding-DNA position 1178, G replaced by C.
Protein change: p.Gly393Ala; replaces glycine 393 with alanine.
Molecular consequence: missense variant.
Genome position (GRCh38, 1-based): chr10:69,922,742, G>C. VCF-style: chr10-69922742-G-C. GRCh37 (hg19) VCF-style: chr10-71682498-G-C.
Other names: c.1145G>C, p.Gly382Ala (NM_001130103.2); c.1115G>C, p.Gly372Ala (NM_001320951.2, NM_001368884.1); c.1142G>C, p.Gly381Ala (NM_001368883.1); c.1079G>C, p.Gly360Ala (NM_001368885.1, NM_080801.4, NM_080802.4); c.515G>C, p.Gly172Ala (NM_001368886.1); c.1088G>C, p.Gly363Ala (NM_001368895.1, NM_080800.4); c.974G>C, p.Gly325Ala (NM_001368896.1, NM_001368898.1, NM_080798.4); c.1001G>C, p.Gly334Ala (NM_001368897.1); and 1 more; short protein forms G172A, G325A, G331A, G334A, G360A, G363A, G372A, G381A.
Identifiers: ClinVar variation 2637087 (VCV002637087.1), dbSNP rs2545255516, ClinGen allele CA376928803.

ClinVar aggregate classification (germline): Uncertain significance (1 of 4 stars; one submission).

Conditions:
COL13A1-related disorder. Also called: COL13A1-related condition.

Submission:

PreventionGenetics, part of Exact Sciences
Classification: Uncertain significance for COL13A1-related condition. Last evaluated: 2022-09-30. Review status: criteria provided, single submitter. Criteria: ACMG Guidelines, 2015. Collection method: clinical testing. Allele origin: germline.
Comment: The COL13A1 c.1145G>C variant is predicted to result in the amino acid substitution p.Gly382Ala. To our knowledge, this variant has not been reported in the literature or in a large population database, indicating this variant is rare. At this time, the clinical significance of this variant is uncertain due to the absence of conclusive functional and genetic evidence.